The following is an entry in ClinVar:

NM_058216.3(RAD51C):c.217C>T (p.Pro73Ser)

Gene: RAD51C (RAD51 paralog C; plus strand). Cytogenetic location: 17q22.
Variant type: single nucleotide variant.
Coding change: c.217C>T on transcript NM_058216.3 (MANE Select); coding-DNA position 217, C replaced by T.
Protein change: p.Pro73Ser; replaces proline 73 with serine.
Molecular consequence: missense variant. On other transcripts: non-coding transcript variant (2).
Genome position (GRCh38, 1-based): chr17:58,695,002, C>T. VCF-style: chr17-58695002-C-T. GRCh37 (hg19) VCF-style: chr17-56772363-C-T.
Other names: c.217C>T, p.Pro73Ser (NM_002876.4); short protein forms P73S.
Identifiers: ClinVar variation 1054277 (VCV001054277.15), dbSNP rs1555593541, ClinGen allele CA400340122.

ClinVar aggregate classification (germline): Conflicting classifications of pathogenicity. Review status: criteria provided, conflicting classifications (1 of 4 stars). 4 submissions from 4 submitters: Uncertain significance (3); Likely benign (1). Last evaluated 2025-06-25.

Conditions:
Hereditary cancer-predisposing syndrome. Also called: Hereditary Cancer Syndrome; Tumor predisposition; Hereditary neoplastic syndrome; Neoplastic Syndromes, Hereditary. Identifiers: Orphanet 140162, MedGen C0027672, MeSH D009386, MONDO:0015356.
Fanconi anemia complementation group O. Also called: RAD51C-Related Fanconi Anemia. Identifiers: Orphanet 84, MedGen C3150653, MONDO:0013248, OMIM 613390.
Breast-ovarian cancer, familial, susceptibility to, 3. Also called: RAD51C-Related Breast/Ovarian Cancer. Identifiers: Orphanet 145, MedGen C3150659, MONDO:0013253, OMIM 613399.

Allele frequency attached by ClinVar (database versions not stated): TOPMed below 0.00001.

Submissions (4):

Labcorp Genetics (formerly Invitae), Labcorp
Classification: Uncertain significance for Fanconi anemia complementation group O. Last evaluated: 2025-06-25. Review status: criteria provided, single submitter. Criteria: Invitae Variant Classification Sherloc (09022015). Collection method: clinical testing. Allele origin: germline.
Comment: This sequence change replaces proline, which is neutral and non-polar, with serine, which is neutral and polar, at codon 73 of the RAD51C protein (p.Pro73Ser). This variant is not present in population databases (gnomAD no frequency). This variant has not been reported in the literature in individuals affected with RAD51C-related conditions. ClinVar contains an entry for this variant (Variation ID: 1054277). An algorithm developed to predict the effect of missense changes on protein structure and function outputs the following: PolyPhen-2: "Benign". The serine amino acid residue is found in multiple mammalian species, which suggests that this missense change does not adversely affect protein function. In summary, the available evidence is currently insufficient to determine the role of this variant in disease. Therefore, it has been classified as a Variant of Uncertain Significance.

Color Diagnostics, LLC DBA Color Health
Classification: Uncertain significance for Hereditary cancer-predisposing syndrome. Last evaluated: 2024-03-07. Review status: criteria provided, single submitter. Criteria: ACMG Guidelines, 2015. Collection method: clinical testing. Allele origin: germline.
Comment: This missense variant replaces proline with serine at codon 73 of the RAD51C protein. Computational prediction suggests that this variant may not impact protein structure and function (internally defined REVEL score threshold <= 0.5, PMID: 27666373). To our knowledge, functional studies have not been reported for this variant. This variant has not been reported in individuals affected with hereditary cancer in the literature. This variant has not been identified in the general population by the Genome Aggregation Database (gnomAD). The available evidence is insufficient to determine the role of this variant in disease conclusively. Therefore, this variant is classified as a Variant of Uncertain Significance.

Ambry Genetics
Classification: Likely benign for Hereditary cancer-predisposing syndrome. Last evaluated: 2024-02-23. Review status: criteria provided, single submitter. Criteria: Ambry Variant Classification Scheme 2023. Collection method: clinical testing. Allele origin: germline.

Baylor Genetics
Classification: Uncertain significance for Breast-ovarian cancer, familial, susceptibility to, 3. Last evaluated: 2023-10-06. Review status: criteria provided, single submitter. Criteria: ACMG Guidelines, 2015. Collection method: clinical testing. Allele origin: unknown.